The following is an entry in ClinVar:

ClinVar aggregate classification (germline): Uncertain significance (1 of 4 stars; one submission).

Conditions:
Methylcobalamin deficiency type cblE (HMAE). Also called: HOMOCYSTINURIA-MEGALOBLASTIC ANEMIA, cblE COMPLEMENTATION TYPE; VITAMIN B12-RESPONSIVE HOMOCYSTINURIA, cblE TYPE; HOMOCYSTINURIA-MEGALOBLASTIC ANEMIA, cblE TYPE. Identifiers: Orphanet 2169, Orphanet 622, MedGen C1856057, MONDO:0009354, OMIM 236270.

Allele frequency attached by ClinVar (database versions not stated): gnomAD 0.00004; ExAC 0.00005; TOPMed 0.00005; ESP Exome Variant Server 0.00008; gnomAD exomes 0.00009.
gnomAD v4.1: 136 of 1,613,936 alleles (0.0084%); highest among the groups gnomAD compares: Non-Finnish European, 0.011%; no homozygotes.

Submission:

Labcorp Genetics (formerly Invitae), Labcorp
Classification: Uncertain significance for Methylcobalamin deficiency type cblE. Last evaluated: 2022-07-19. Review status: criteria provided, single submitter. Criteria: Invitae Variant Classification Sherloc (09022015). Collection method: clinical testing. Allele origin: germline.
Comment: This sequence change replaces lysine, which is basic and polar, with glutamic acid, which is acidic and polar, at codon 591 of the MTRR protein (p.Lys591Glu). This variant is present in population databases (rs368741550, gnomAD 0.01%). This variant has not been reported in the literature in individuals affected with MTRR-related conditions. Algorithms developed to predict the effect of missense changes on protein structure and function output the following: SIFT: "Tolerated"; PolyPhen-2: "Benign"; Align-GVGD: "Class C0". The glutamic acid amino acid residue is found in multiple mammalian species, which suggests that this missense change does not adversely affect protein function. In summary, the available evidence is currently insufficient to determine the role of this variant in disease. Therefore, it has been classified as a Variant of Uncertain Significance.

NM_002454.3(MTRR):c.1771A>G (p.Lys591Glu)

Gene: MTRR (5-methyltetrahydrofolate-homocysteine methyltransferase reductase; plus strand). Cytogenetic location: 5p15.31.
Variant type: single nucleotide variant.
Coding change: c.1771A>G on transcript NM_002454.3 (MANE Select); coding-DNA position 1771, A replaced by G.
Protein change: p.Lys591Glu; replaces lysine 591 with glutamic acid.
Molecular consequence: missense variant. On other transcripts: non-coding transcript variant (14).
Genome position (GRCh38, 1-based): chr5:7,897,066, A>G. VCF-style: chr5-7897066-A-G. GRCh37 (hg19) VCF-style: chr5-7897179-A-G.
Other names: c.1771A>G, p.Lys591Glu (NM_001364440.2, NM_001364441.2, NM_001364442.2 and 1 more transcripts); short protein forms K591E.
Identifiers: ClinVar variation 2057863 (VCV002057863.1), dbSNP rs368741550, ClinGen allele CA3196070.
Genomic context (GRCh38, chr5:7,897,066, plus strand): 5'-ATTCTCAGACTTTTTCAGCTTGACAACCTTTTAGTGATCCATTATATATTATATTTCAGA[A>G]AAGAGCTCAGACATTTCCTTAAGCATGGGATCTTAACTCATCTAAAGGTTTCCTTCTCAA-3'
Protein context (NP_002445.2, residues 581-601): RHKDRDYLFR[Lys591Glu]ELRHFLKHGI